The following is an entry in ClinVar:

ClinVar aggregate classification (germline): Uncertain significance (1 of 4 stars; one submission).

Conditions:
Pheochromocytoma/paraganglioma syndrome 2. Also called: GLOMUS TUMORS, FAMILIAL, 2; SDHAF2-Related Hereditary Paraganglioma-Pheochromocytoma Syndrome; SDHAF2-Related Hereditary Paraganglioma-Pheochromocytoma Syndrome (Paragangliomas 2); Paragangliomas 2. Identifiers: Orphanet 29072, MedGen C1866552, MONDO:0011121, OMIM 601650.

Submission:

Laboratorio de Genetica e Diagnostico Molecular, Hospital Israelita Albert Einstein
Classification: Uncertain significance for Pheochromocytoma/paraganglioma syndrome 2. Last evaluated: 2022-07-01. Review status: criteria provided, single submitter. Criteria: ACMG Guidelines, 2015. Collection method: clinical testing. Allele origin: germline. Affected: yes. Observed: 1 variant allele.
Comment: ACMG classification criteria: PVS1 moderated, PM2 moderated

NM_017841.4(SDHAF2):c.479_482del (p.Tyr160fs)

Gene: SDHAF2 (succinate dehydrogenase complex assembly factor 2; plus strand). Cytogenetic location: 11q12.2.
Variant type: Deletion.
Coding change: c.479_482del on transcript NM_017841.4 (MANE Select); coding-DNA positions 479 to 482, 4 bases deleted (ACCT; older notation c.479_482delACCT).
Protein change: p.Tyr160fs; shifts the reading frame from tyrosine 160.
Molecular consequence: frameshift variant.
Genome position (GRCh38, 1-based): chr11:61,446,049-61,446,052, ACCT deleted; deleting any 4 consecutive bases within chr11:61,446,048-61,446,052 gives the same sequence; the c. name uses the placement nearest the transcript's 3' end. VCF-style (leftmost placement, unchanged base first): chr11-61446047-GTACC-G. GRCh37 (hg19) VCF-style: chr11-61213519-GTACC-G.
Other names: short protein forms Y160fs.
Identifiers: ClinVar variation 2431366 (VCV002431366.1), dbSNP rs2540133148, ClinGen allele CA2580084356.